The following is an entry in ClinVar:

ClinVar aggregate classification (germline): Uncertain significance. Review status: criteria provided, multiple submitters, no conflicts (2 of 4 stars). 3 submissions from 3 submitters: Uncertain significance (3). Last evaluated 2022-05-20.

Allele frequency attached by ClinVar (database versions not stated): ExAC 0.00002; gnomAD exomes 0.00002; gnomAD 0.00003; TOPMed below 0.00001.
gnomAD v4.1: 39 of 1,614,106 alleles (0.0024%); highest among the groups gnomAD compares: Non-Finnish European, 0.0027%; no homozygotes.

Submissions (3):

Labcorp Genetics (formerly Invitae), Labcorp
Classification: Uncertain significance. Last evaluated: 2022-05-20. Review status: criteria provided, single submitter. Criteria: Invitae Variant Classification Sherloc (09022015). Collection method: clinical testing. Allele origin: germline.
Comment: This sequence change replaces glycine, which is neutral and non-polar, with arginine, which is basic and polar, at codon 85 of the ERCC1 protein (p.Gly85Arg). This variant is present in population databases (rs774734081, gnomAD 0.02%). This variant has not been reported in the literature in individuals affected with ERCC1-related conditions. ClinVar contains an entry for this variant (Variation ID: 1319210). Algorithms developed to predict the effect of missense changes on protein structure and function are either unavailable or do not agree on the potential impact of this missense change (SIFT: "Tolerated"; PolyPhen-2: "Possibly Damaging"; Align-GVGD: "Class C0"). In summary, the available evidence is currently insufficient to determine the role of this variant in disease. Therefore, it has been classified as a Variant of Uncertain Significance.

GeneDx
Classification: Uncertain significance. Last evaluated: 2022-02-07. Review status: criteria provided, single submitter. Criteria: GeneDx Variant Classification Process June 2021. Collection method: clinical testing. Allele origin: germline. Affected: yes.
Comment: In silico analysis supports that this missense variant does not alter protein structure/function; Has not been previously published as pathogenic or benign to our knowledge

Institute for Clinical Genetics, University Hospital TU Dresden, University Hospital TU Dresden
Classification: Uncertain significance. Last evaluated: 2021-11-03. Review status: criteria provided, single submitter. Criteria: ACMG Guidelines, 2015. Collection method: clinical testing. Allele origin: germline.

NM_001983.4(ERCC1):c.253G>A (p.Gly85Arg)

Gene: ERCC1 (ERCC excision repair 1, endonuclease non-catalytic subunit; minus strand). Cytogenetic location: 19q13.32.
Variant type: single nucleotide variant.
Coding change: c.253G>A on transcript NM_001983.4 (MANE Select); coding-DNA position 253, G replaced by A.
Protein change: p.Gly85Arg; replaces glycine 85 with arginine.
Molecular consequence: missense variant.
Genome position (GRCh38, 1-based): chr19:45,421,246, C>T on the plus strand (G>A on the coding strand, the complement: ERCC1 is on the minus strand). VCF-style: chr19-45421246-C-T. GRCh37 (hg19) VCF-style: chr19-45924504-C-T.
Other names: c.253G>A, p.Gly85Arg (NM_001166049.2, NM_001369408.1, NM_001369409.1 and 11 more transcripts); short protein forms G85R.
Identifiers: ClinVar variation 1319210 (VCV001319210.6), dbSNP rs774734081, ClinGen allele CA9515521.